The following is an entry in ClinVar:

ClinVar aggregate classification (germline): Uncertain significance. Review status: criteria provided, multiple submitters, no conflicts (2 of 4 stars). 4 submissions from 4 submitters: Uncertain significance (4). Last evaluated 2026-07-13.

Conditions:
PLEC-related disorder. Also called: PLEC-related condition; PLEC-related disorders.
Inborn genetic diseases. Identifiers: MedGen C0950123, MeSH D030342.
Epidermolysis bullosa simplex, Ogna type (EBS5A). Also called: Pidermolysis bullosa simplex 5A, Ogna type; EPIDERMOLYSIS BULLOSA SIMPLEX 5A, OGNA TYPE. Identifiers: Orphanet 79401, MedGen C0432317, MONDO:0007555, OMIM 131950.
Epidermolysis bullosa simplex 5B, with muscular dystrophy (EBS5B). Also called: Epidermolysis bullosa simplex with muscular dystrophy; EPIDERMOLYSIS BULLOSA SIMPLEX AND LIMB-GIRDLE MUSCULAR DYSTROPHY. Identifiers: Orphanet 257, MedGen C2931072, MONDO:0009181, OMIM 226670.
Epidermolysis bullosa simplex 5C, with pyloric atresia (EBS5C). Also called: PLEC-Related Epidermolysis Bullosa with Pyloric Atresia; Epidermolysis bullosa simplex with pyloric atresia; PLEC1-Related Epidermolysis Bullosa with Pyloric Atresia. Identifiers: Orphanet 158684, MedGen C2677349, MONDO:0012807, OMIM 612138.
Autosomal recessive limb-girdle muscular dystrophy type 2Q (LGMDR17). Also called: MUSCULAR DYSTROPHY, LIMB-GIRDLE, AUTOSOMAL RECESSIVE 17. Identifiers: Orphanet 254361, MedGen C3150989, MONDO:0013390, OMIM 613723.
Epidermolysis bullosa simplex with nail dystrophy (EBS5D). Identifiers: MedGen C4225309, MONDO:0014661, OMIM 616487.

Allele frequency attached by ClinVar (database versions not stated): gnomAD exomes 0.00004; gnomAD 0.00002; TOPMed 0.00002; ExAC 0.00004.
gnomAD v4.1: 64 of 1,592,132 alleles (0.004%); highest among the groups gnomAD compares: Middle Eastern, 0.049%; no homozygotes.

Submissions (4):

PreventionGenetics, part of Exact Sciences
Classification: Uncertain significance for PLEC-related condition. Last evaluated: 2026-07-13. Review status: criteria provided, single submitter. Criteria: ACMG Guidelines, 2015. Collection method: clinical testing. Allele origin: germline.
Comment: The PLEC c.4312G>A variant is predicted to result in the amino acid substitution p.Ala1438Thr. To our knowledge, this variant has not been reported in the literature. This variant is reported in 0.031% of alleles in individuals of Ashkenazi Jewish descent in gnomAD. At this time, the clinical significance of this variant is uncertain due to the absence of conclusive functional and genetic evidence.

Labcorp Genetics (formerly Invitae), Labcorp
Classification: Uncertain significance for Autosomal recessive limb-girdle muscular dystrophy type 2Q; Epidermolysis bullosa simplex, Ogna type; Epidermolysis bullosa simplex with nail dystrophy; Epidermolysis bullosa simplex 5C, with pyloric atresia; Epidermolysis bullosa simplex 5B, with muscular dystrophy. Last evaluated: 2025-07-30. Review status: criteria provided, single submitter. Criteria: Invitae Variant Classification Sherloc (09022015). Collection method: clinical testing. Allele origin: germline.
Comment: This sequence change replaces alanine, which is neutral and non-polar, with threonine, which is neutral and polar, at codon 1438 of the PLEC protein (p.Ala1438Thr). This variant is present in population databases (rs782461527, gnomAD 0.03%). This variant has not been reported in the literature in individuals affected with PLEC-related conditions. ClinVar contains an entry for this variant (Variation ID: 1946201). Invitae Evidence Modeling of protein sequence and biophysical properties (such as structural, functional, and spatial information, amino acid conservation, physicochemical variation, residue mobility, and thermodynamic stability) indicates that this missense variant is not expected to disrupt PLEC protein function with a negative predictive value of 80%. In summary, the available evidence is currently insufficient to determine the role of this variant in disease. Therefore, it has been classified as a Variant of Uncertain Significance.

Revvity Omics, Revvity
Classification: Uncertain significance. Last evaluated: 2022-06-15. Review status: criteria provided, single submitter. Criteria: ACMG Guidelines, 2015. Collection method: clinical testing. Allele origin: germline.

Ambry Genetics
Classification: Uncertain significance for Inborn genetic diseases. Last evaluated: 2021-09-17. Review status: criteria provided, single submitter. Criteria: Ambry Variant Classification Scheme 2023. Collection method: clinical testing. Allele origin: germline.

NM_201384.3(PLEC):c.4231G>A (p.Ala1411Thr)

Gene: PLEC (plectin; minus strand). Cytogenetic location: 8q24.3.
Variant type: single nucleotide variant.
Coding change: c.4231G>A on transcript NM_201384.3 (MANE Select); coding-DNA position 4231, G replaced by A.
Protein change: p.Ala1411Thr; replaces alanine 1411 with threonine.
Molecular consequence: missense variant.
Genome position (GRCh38, 1-based): chr8:143,925,698, C>T on the plus strand (G>A on the coding strand, the complement: PLEC is on the minus strand). VCF-style: chr8-143925698-C-T. GRCh37 (hg19) VCF-style: chr8-144999866-C-T.
Other names: c.4312G>A (NM_000445.4, NM_000445.3); c.4312G>A, p.Ala1438Thr (NM_000445.5); c.4189G>A, p.Ala1397Thr (NM_201378.4); c.4165G>A, p.Ala1389Thr (NM_201379.3); c.4642G>A, p.Ala1548Thr (NM_201380.4); c.4135G>A, p.Ala1379Thr (NM_201381.3); c.4231G>A, p.Ala1411Thr (NM_201382.4); c.4243G>A, p.Ala1415Thr (NM_201383.3); short protein forms A1397T, A1411T, A1548T, A1389T, A1438T, A1379T, A1415T.
Identifiers: ClinVar variation 1946201 (VCV001946201.10), dbSNP rs782461527, ClinGen allele CA4926727.